The following is an entry in ClinVar:

ClinVar aggregate classification (germline): Uncertain significance (1 of 4 stars; one submission).

Conditions:
Hereditary cancer-predisposing syndrome. Also called: Neoplastic Syndromes, Hereditary; Tumor predisposition; Hereditary Cancer Syndrome; Hereditary neoplastic syndrome. Identifiers: Orphanet 140162, MedGen C0027672, MeSH D009386, MONDO:0015356.

Submission:

Ambry Genetics
Classification: Uncertain significance for Hereditary cancer-predisposing syndrome. Last evaluated: 2025-08-20. Review status: criteria provided, single submitter. Criteria: Ambry Variant Classification Scheme 2023. Collection method: clinical testing. Allele origin: germline.
Comment: The p.R813I variant (also known as c.2438G>T), located in coding exon 11 of the BLM gene, results from a G to T substitution at nucleotide position 2438. The arginine at codon 813 is replaced by isoleucine, an amino acid with similar properties. This amino acid position is conserved. In addition, the in silico prediction for this alteration is inconclusive. Based on the available evidence, the clinical significance of this variant remains unclear.

NM_000057.4(BLM):c.2438G>T (p.Arg813Ile)

Gene: BLM (BLM RecQ like helicase; plus strand). Cytogenetic location: 15q26.1.
Variant type: single nucleotide variant.
Coding change: c.2438G>T on transcript NM_000057.4 (MANE Select); coding-DNA position 2438, G replaced by T.
Protein change: p.Arg813Ile; replaces arginine 813 with isoleucine.
Molecular consequence: missense variant.
Genome position (GRCh38, 1-based): chr15:90,769,469, G>T. VCF-style: chr15-90769469-G-T. GRCh37 (hg19) VCF-style: chr15-91312699-G-T.
Other names: c.2438G>T, p.Arg813Ile (NM_001287246.2, NM_001287247.2); c.1313G>T, p.Arg438Ile (NM_001287248.2); short protein forms R438I, R813I.
Identifiers: ClinVar variation 4212031 (VCV004212031.1).